The following is an entry in ClinVar:

ClinVar aggregate classification (germline): Pathogenic. Review status: criteria provided, multiple submitters, no conflicts (2 of 4 stars). 6 submissions from 6 submitters: Pathogenic (6). Last evaluated 2026-09-09.

Conditions:
Hereditary cancer-predisposing syndrome. Also called: Hereditary Cancer Syndrome; Tumor predisposition; Hereditary neoplastic syndrome; Neoplastic Syndromes, Hereditary. Identifiers: Orphanet 140162, MedGen C0027672, MeSH D009386, MONDO:0015356.
Birt-Hogg-Dube syndrome. Also called: Birt Hogg Dubé syndrome. Identifiers: Orphanet 122, MedGen C0346010, MONDO:0800444.
Birt-Hogg-Dube syndrome 1 (BHD1). Also called: FIBROFOLLICULOMAS WITH TRICHODISCOMAS AND ACROCHORDONS. Identifiers: Orphanet 122, MedGen CN375946, MONDO:0800445, OMIM 135150.
Familial spontaneous pneumothorax (PSP). Identifiers: Orphanet 2903, MedGen C1868193, MONDO:0008259, OMIM 173600.
Nonpapillary renal cell carcinoma. Identifiers: Orphanet 422526, MedGen CN074294, MONDO:0007763, OMIM 144700.
Colorectal cancer. Also called: Colorectal cancer, somatic; Malignant Colorectal Neoplasm. Identifiers: MedGen C0346629, MONDO:0005575, OMIM 114500.

Allele frequency attached by ClinVar (database versions not stated): gnomAD exomes below 0.00001; ExAC 0.00001.

Submissions (6):

Hema, HEMA – Genetic and Molecular Diagnostic Laboratory
Classification: Pathogenic for Birt-Hogg-Dube syndrome 1. Last evaluated: 2026-09-09. Review status: criteria provided, single submitter. Criteria: HEMA Variant Classification Assertion Criteria. Collection method: clinical testing. Allele origin: germline.
Comment: The variant c.347dup p.(Leu117AlafsTer16) is a duplication of a thymine nucleotide that results in a frameshift in FLCN. In the scientific literature, it is also named as c.802insA and c.802dupA. PVS1: Null variant (frameshift) in a gene for which loss of function is a known disease mechanism. The variant c.347dup p.(Leu117AlafsTer16) in the FLCN gene is a frameshift variant that introduces a premature stop codon in exon 5/14, which is predicted to lead to nonsense-mediated decay (NMD) of the transcript. PS4_Moderate: The variant has been reported in four individuals with Birt-Hogg-Dubé syndrome (PMID: 18234728, 18573707, 20618353, 23386036). PM2_Supporting: Present at very low frequency in gnomAD. PP4_Strong: The proband's phenotype is compatible with Birt-Hogg-Dubé syndrome.

Labcorp Genetics (formerly Invitae), Labcorp
Classification: Pathogenic for Birt-Hogg-Dube syndrome. Last evaluated: 2025-12-22. Review status: criteria provided, single submitter. Criteria: Invitae Variant Classification Sherloc (09022015). Collection method: clinical testing. Allele origin: germline.
Comment: This sequence change creates a premature translational stop signal (p.Leu117Alafs*16) in the FLCN gene. It is expected to result in an absent or disrupted protein product. Loss-of-function variants in FLCN are known to be pathogenic (PMID: 15852235). This variant is present in population databases (rs776896550, gnomAD 0.0009%). This premature translational stop signal has been observed in individual(s) with skin fibrofolliculomas, lung cysts, and pneumothorax consistent with Birt-Hogg-Dubé syndrome (PMID: 18234728, 20618353, 23386036). It has also been observed to segregate with disease in related individuals. This variant is also known as 802insA or 802dupA. ClinVar contains an entry for this variant (Variation ID: 241922). For these reasons, this variant has been classified as Pathogenic.

Department of Pathology and Laboratory Medicine, Sinai Health System
Classification: Pathogenic for Birt-Hogg-Dube syndrome 1; Colorectal cancer; Familial spontaneous pneumothorax; Nonpapillary renal cell carcinoma. Last evaluated: 2024-02-07. Review status: criteria provided, single submitter. Criteria: ACMG Guidelines, 2015. Collection method: clinical testing. Allele origin: germline. Affected: no.

Myriad Genetics, Inc.
Classification: Pathogenic for Birt-Hogg-Dube syndrome 1. Last evaluated: 2024-01-10. Review status: criteria provided, single submitter. Criteria: Myriad Autosomal Dominant, Autosomal Recessive and X-Linked Classification Criteria (2023). Collection method: clinical testing. Allele origin: unknown.
Comment: This variant is considered pathogenic. This variant creates a frameshift predicted to result in premature protein truncation.

GeneDx
Classification: Pathogenic. Last evaluated: 2023-03-08. Review status: criteria provided, single submitter. Criteria: GeneDx Variant Classification Process June 2021. Collection method: clinical testing. Allele origin: germline. Affected: yes.
Comment: Frameshift variant predicted to result in protein truncation or nonsense mediated decay in a gene for which loss-of-function is a known mechanism of disease; Not observed at significant frequency in large population cohorts (gnomAD); Identified in patients with Birt-Hogg-Dub syndrome in published literature (Toro et al., 2008; Palmirotta et al., 2008; Maff et al., 2011; Pradella et al., 2013); This variant is associated with the following publications: (PMID: 21937013, 23386036, 18234728, 20618353, 18573707, 29357828, 24307375)

Ambry Genetics
Classification: Pathogenic for Hereditary cancer-predisposing syndrome. Last evaluated: 2022-09-05. Review status: criteria provided, single submitter. Criteria: Ambry Variant Classification Scheme 2023. Collection method: clinical testing. Allele origin: germline.
Comment: The c.347dupA pathogenic mutation, located in coding exon 2 of the FLCN gene, results from a duplication of A at nucleotide position 347, causing a translational frameshift with a predicted alternate stop codon (p.L117Afs*16). This alteration has been reported in multiple individuals meeting clinical diagnostic criteria for Birt-Hogg-Dube syndrome (Toro JR et al. J. Med. Genet. 2008 Jun;45:321-31; Maff&eacute; A et al. Clin. Genet. 2011 Apr;79:345-54; Pradella LM et al. Eur. J. Hum. Genet. 2013 Oct;21:1169-72). Of note, this alteration is also known as c.802insA and c.802dupA in published literature. In addition to the clinical data presented in the literature, this alteration is expected to result in loss of function by premature protein truncation or nonsense-mediated mRNA decay. As such, this alteration is interpreted as a disease-causing mutation.

Literature cited by the submitters: PubMed 18234728 (cited by 4 submitters); PubMed 18573707 (cited by Hema, HEMA – Genetic and Molecular Diagnostic Laboratory); PubMed 20618353 (cited by 4 submitters); PubMed 23386036 (cited by 4 submitters); PubMed 15852235 (cited by Labcorp Genetics (formerly Invitae), Labcorp).

NM_144997.7(FLCN):c.347dup (p.Leu117fs)

Gene: FLCN (folliculin; minus strand). Cytogenetic location: 17p11.2.
Variant type: Duplication.
Coding change: c.347dup on transcript NM_144997.7 (MANE Select); coding-DNA position 347, one base duplicated (A; older notation c.347dupA).
Protein change: p.Leu117fs; shifts the reading frame from leucine 117.
Molecular consequence: frameshift variant.
Genome position (GRCh38, 1-based): chr17:17,226,225, T duplicated on the plus strand (A on the coding strand, the reverse complement: FLCN is on the minus strand). VCF-style (leftmost placement, unchanged base first): chr17-17226224-C-CT. GRCh37 (hg19) VCF-style: chr17-17129538-C-CT.
Other names: c.347dup (LRG_325t1, NM_144997.5); c.347dup, p.Leu117fs (NM_001353229.2, NM_001353230.2, NM_001353231.2 and 1 more transcripts); short protein forms L117fs.
Identifiers: ClinVar variation 241922 (VCV000241922.22), dbSNP rs776896550, ClinGen allele CA8416448.
Genomic context (GRCh38, chr17:17,226,224, plus strand): 5'-CACAAGGCTCACCTCACAGCTCAGGCTCCGGACACAGGCCTGGCGGACAATGCTGAAGAG[C>CT]TGGGGGTGGCTGGGGTGCTGGTGGCTGACGTATTTAATGGAGGTCTCTTTATCATGGCTG-3'